The following is an entry in ClinVar:

NM_001364905.1(LRBA):c.7994G>C (p.Ser2665Thr)

Gene: LRBA (LPS responsive beige-like anchor protein; minus strand). Cytogenetic location: 4q31.3.
Variant type: single nucleotide variant.
Coding change: c.7994G>C on transcript NM_001364905.1 (MANE Select); coding-DNA position 7994, G replaced by C.
Protein change: p.Ser2665Thr; replaces serine 2665 with threonine.
Molecular consequence: missense variant.
Genome position (GRCh38, 1-based): chr4:150,302,648, C>G on the plus strand (G>C on the coding strand, the complement: LRBA is on the minus strand). VCF-style: chr4-150302648-C-G. GRCh37 (hg19) VCF-style: chr4-151223800-C-G.
Other names: c.7994G>C, p.Ser2665Thr (NM_001199282.3); c.8009G>C, p.Ser2670Thr (NM_001367550.1); c.8027G>C, p.Ser2676Thr (NM_006726.5); short protein forms S2665T, S2676T, S2670T.
Identifiers: ClinVar variation 1392704 (VCV001392704.6), dbSNP rs1322543866, ClinGen allele CA358598880.

ClinVar aggregate classification (germline): Uncertain significance (1 of 4 stars; one submission).

Conditions:
Combined immunodeficiency due to LRBA deficiency. Also called: Common variable immunodeficiency 8, with autoimmunity. Identifiers: Orphanet 445018, MedGen C3553512, MONDO:0013863, OMIM 614700.

Allele frequency attached by ClinVar (database versions not stated): gnomAD 0.00001.
gnomAD v4.1: 1 of 1,610,660 alleles (0.000062%); highest among the groups gnomAD compares: Non-Finnish European, 0.000085%; no homozygotes.

Submission:

Labcorp Genetics (formerly Invitae), Labcorp
Classification: Uncertain significance for Combined immunodeficiency due to LRBA deficiency. Last evaluated: 2024-10-21. Review status: criteria provided, single submitter. Criteria: Invitae Variant Classification Sherloc (09022015). Collection method: clinical testing. Allele origin: germline.
Comment: This sequence change replaces serine, which is neutral and polar, with threonine, which is neutral and polar, at codon 2676 of the LRBA protein (p.Ser2676Thr). This variant is present in population databases (no rsID available, gnomAD 0.007%). This variant has not been reported in the literature in individuals affected with LRBA-related conditions. ClinVar contains an entry for this variant (Variation ID: 1392704). Invitae Evidence Modeling of protein sequence and biophysical properties (such as structural, functional, and spatial information, amino acid conservation, physicochemical variation, residue mobility, and thermodynamic stability) indicates that this missense variant is not expected to disrupt LRBA protein function with a negative predictive value of 80%. In summary, the available evidence is currently insufficient to determine the role of this variant in disease. Therefore, it has been classified as a Variant of Uncertain Significance.